The following is an entry in ClinVar:

ClinVar aggregate classification (germline): Likely benign. Review status: criteria provided, multiple submitters, no conflicts (2 of 4 stars). 3 submissions from 3 submitters: Likely benign (3). Last evaluated 2025-01-08.

Conditions:
EPCAM-related disorder. Also called: EPCAM-related condition.
Hereditary cancer-predisposing syndrome. Also called: Neoplastic Syndromes, Hereditary; Hereditary neoplastic syndrome; Hereditary Cancer Syndrome; Tumor predisposition. Identifiers: Orphanet 140162, MedGen C0027672, MeSH D009386, MONDO:0015356.

Allele frequency attached by ClinVar (database versions not stated): gnomAD exomes below 0.00001; gnomAD 0.00001; TOPMed 0.00001.
gnomAD v4.1: 3 of 1,607,114 alleles (0.00019%); highest among the groups gnomAD compares: Non-Finnish European, 0.00026%; no homozygotes.

Submissions (3):

PreventionGenetics, part of Exact Sciences
Classification: Likely benign for EPCAM-related condition. Last evaluated: 2025-01-08. Review status: criteria provided, single submitter. Criteria: ACMG Guidelines, 2015. Collection method: clinical testing. Allele origin: germline.
Comment: This variant is classified as likely benign based on ACMG/AMP sequence variant interpretation guidelines (Richards et al. 2015 PMID: 25741868, with internal and published modifications).

Ambry Genetics
Classification: Likely benign for Hereditary cancer-predisposing syndrome. Last evaluated: 2022-05-18. Review status: criteria provided, single submitter. Criteria: Ambry Variant Classification Scheme 2023. Collection method: clinical testing. Allele origin: germline.

Labcorp Genetics (formerly Invitae), Labcorp
Classification: Likely benign. Last evaluated: 2015-12-16. Review status: criteria provided, single submitter. Criteria: Invitae Variant Classification Sherloc (09022015). Collection method: clinical testing. Allele origin: germline.

NM_002354.3(EPCAM):c.921G>A (p.Glu307=)

Gene: EPCAM (epithelial cell adhesion molecule; plus strand). Cytogenetic location: 2p21.
Variant type: single nucleotide variant.
Coding change: c.921G>A on transcript NM_002354.3 (MANE Select); coding-DNA position 921, G replaced by A.
Protein change: p.Glu307=; no amino-acid change (glutamic acid 307 retained).
Molecular consequence: synonymous variant.
Genome position (GRCh38, 1-based): chr2:47,386,589, G>A. VCF-style: chr2-47386589-G-A. GRCh37 (hg19) VCF-style: chr2-47613728-G-A.
Identifiers: ClinVar variation 239145 (VCV000239145.14), dbSNP rs878854497, ClinGen allele CA10581986.